The following is an entry in ClinVar:

NM_000170.3(GLDC):c.413A>T (p.Tyr138Phe)

Gene: GLDC (glycine decarboxylase; minus strand). Cytogenetic location: 9p24.1.
Variant type: single nucleotide variant.
Coding change: c.413A>T on transcript NM_000170.3 (MANE Select); coding-DNA position 413, A replaced by T.
Protein change: p.Tyr138Phe; replaces tyrosine 138 with phenylalanine.
Molecular consequence: missense variant.
Genome position (GRCh38, 1-based): chr9:6,620,241, T>A on the plus strand (A>T on the coding strand, the complement: GLDC is on the minus strand). VCF-style: chr9-6620241-T-A. GRCh37 (hg19) VCF-style: chr9-6620241-T-A.
Other names: short protein forms Y138F.
Identifiers: ClinVar variation 56095 (VCV000056095.2), dbSNP rs386833577, ClinGen allele CA263414.

ClinVar aggregate classification (germline): Likely pathogenic (0 of 4 stars; one submission).

Conditions:
Glycine encephalopathy. Also called: Nonketotic hyperglycinemia; Non-ketotic hyperglycinemia. Identifiers: Orphanet 407, MedGen C0751748, MONDO:0011612, HP:0008288.

Submission:

Juha Muilu Group; Institute for Molecular Medicine Finland (FIMM)
Classification: Likely pathogenic for Non-ketotic hyperglycinemia. Review status: no assertion criteria provided. Collection method: not provided. Allele origin: unknown.
Comment: FinDis database variant: This variant was not found or characterized by our laboratory, data were collected from public sources: see reference
ClinVar note: Converted during submission from probable-pathogenic to Likely pathogenic.